The following is an entry in ClinVar:

NM_000088.4(COL1A1):c.462C>T (p.Gly154=)

Gene: COL1A1 (collagen type I alpha 1 chain; minus strand). Cytogenetic location: 17q21.33.
Variant type: single nucleotide variant.
Coding change: c.462C>T on transcript NM_000088.4 (MANE Select); coding-DNA position 462, C replaced by T.
Protein change: p.Gly154=; no amino-acid change (glycine 154 retained).
Molecular consequence: synonymous variant.
Genome position (GRCh38, 1-based): chr17:50,199,235, G>A on the plus strand (C>T on the coding strand, the complement: COL1A1 is on the minus strand). VCF-style: chr17-50199235-G-A. GRCh37 (hg19) VCF-style: chr17-48276596-G-A.
Other names: p.Gly154=.
Identifiers: ClinVar variation 772260 (VCV000772260.23), dbSNP rs41317351, ClinGen allele CA8645699.

ClinVar aggregate classification (germline): Conflicting classifications of pathogenicity. Review status: criteria provided, conflicting classifications (1 of 4 stars). 10 submissions from 8 submitters: Uncertain significance (1); Benign (6); Likely benign (2). 1 of the submissions does not count toward it. Last evaluated 2025-12-22.

Conditions:
COL1A1-related disorder. Also called: COL1A1- related disease; COL1A1-related condition.
Cardiovascular phenotype. Identifiers: MedGen CN230736.
Infantile cortical hyperostosis. Also called: Hyperostosis, Cortical, Congenital; P1PK BLOOD GROUP SYSTEM, P(2) PHENOTYPE; Caffey Disease. Identifiers: Orphanet 1310, MedGen C0020497, MONDO:0007244, OMIM 114000.
Osteogenesis imperfecta (OI). Identifiers: Orphanet 666, MedGen C0029434, MeSH D010013, MONDO:0019019.
Osteogenesis imperfecta type I (OI1). Also called: Lobstein disease; OI, TYPE I; OSTEOGENESIS IMPERFECTA TARDA; OSTEOGENESIS IMPERFECTA WITH BLUE SCLERAE; Classic Non-deforming Osteogenesis Imperfecta with Blue Sclerae; Osteogenesis imperfecta type 1. Identifiers: Orphanet 216796, Orphanet 666, MedGen C0023931, MONDO:0008146, OMIM 166200. Disease mechanism: loss of function.
Ehlers-Danlos syndrome, arthrochalasia type. Also called: Ehlers-Danlos syndrome, arthrochalasis type; Ehlers-Danlos syndrome, arthrochalasia type, 1; ARTHROCHALASIS MULTIPLEX CONGENITA; EDS VII, MUTANT PROCOLLAGEN TYPE; EDS VIIA. Identifiers: Orphanet 1899, Orphanet 99875, Orphanet 99876, MedGen C4551623, MONDO:0007525, OMIM 130060.

Allele frequency attached by ClinVar (database versions not stated): gnomAD 0.00038; TOPMed 0.00062; gnomAD exomes 0.00083; ExAC 0.00084; 1000 Genomes Project 0.00160; 1000 Genomes Project 30x 0.00172.
gnomAD v4.1: 330 of 1,465,708 alleles (0.023%); highest among the groups gnomAD compares: East Asian, 0.64%; 1 homozygote.

Submissions (10):

Labcorp Genetics (formerly Invitae), Labcorp
Classification: Benign for Osteogenesis imperfecta type I. Last evaluated: 2025-12-22. Review status: criteria provided, single submitter. Criteria: Invitae Variant Classification Sherloc (09022015). Collection method: clinical testing. Allele origin: germline.

Blueprint Genetics
Classification: Likely benign. Last evaluated: 2024-10-04. Review status: criteria provided, single submitter. Criteria: ACMG Guidelines, 2015. Collection method: clinical testing. Allele origin: germline.

ARUP Laboratories, Molecular Genetics and Genomics, ARUP Laboratories
Classification: Benign. Last evaluated: 2024-06-18. Review status: criteria provided, single submitter. Criteria: ARUP Molecular Germline Variant Investigation Process 2024. Collection method: clinical testing. Allele origin: germline.

Mayo Clinic Laboratories, Mayo Clinic
Classification: Benign. Last evaluated: 2023-10-03. Review status: criteria provided, single submitter. Criteria: ACMG Guidelines, 2015. Collection method: clinical testing. Allele origin: germline. Observed: 3 variant alleles.
Comment: BA1, BP4, BP7

Ambry Genetics
Classification: Likely benign for Cardiovascular phenotype. Last evaluated: 2019-06-22. Review status: criteria provided, single submitter. Criteria: Ambry Variant Classification Scheme 2023. Collection method: clinical testing. Allele origin: germline.

GeneDx
Classification: Benign. Last evaluated: 2019-02-28. Review status: criteria provided, single submitter. Criteria: GeneDx Variant Classification Process June 2021. Collection method: clinical testing. Allele origin: germline. Affected: yes.

Illumina Laboratory Services, Illumina
Classification: Benign for Ehlers-Danlos syndrome, arthrochalasia type. Last evaluated: 2017-04-27. Review status: criteria provided, single submitter. Criteria: ICSL Variant Classification Criteria 13 December 2019. Collection method: clinical testing. Allele origin: germline.
Comment: This variant was observed as part of a predisposition screen in an ostensibly healthy population. A literature search was performed for the gene, cDNA change, and amino acid change (where applicable). No publications were found based on this search. Allele frequency data from public databases was too high to be consistent with this variant causing disease. Therefore, this variant is classified as benign.

Illumina Laboratory Services, Illumina
Classification: Uncertain significance for Infantile cortical hyperostosis. Last evaluated: 2017-04-27. Review status: criteria provided, single submitter. Criteria: ICSL Variant Classification Criteria 13 December 2019. Collection method: clinical testing. Allele origin: germline.

Illumina Laboratory Services, Illumina
Classification: Benign for Osteogenesis imperfecta. Last evaluated: 2017-04-27. Review status: criteria provided, single submitter. Criteria: ICSL Variant Classification Criteria 13 December 2019. Collection method: clinical testing. Allele origin: germline.
Comment: the same text as in the submission from Illumina Laboratory Services, Illumina above.

PreventionGenetics, part of Exact Sciences
Classification: Benign for COL1A1-related condition. Last evaluated: 2019-09-04. Review status: no assertion criteria provided. Collection method: clinical testing. Allele origin: germline. Not counted in ClinVar's aggregate classification.
Comment: This variant is classified as benign based on ACMG/AMP sequence variant interpretation guidelines (Richards et al. 2015 PMID: 25741868, with internal and published modifications).